The following is an entry in ClinVar:

NC_000004.11:g.(?_5630338)_(5635928_?)del

Gene: EVC2 (EvC ciliary complex subunit 2; minus strand). Cytogenetic location: 4p16.2.
Variant type: Deletion.
Identifiers: ClinVar variation 3246632 (VCV003246632.1).

ClinVar aggregate classification (germline): Likely pathogenic (1 of 4 stars; one submission).

Conditions:
Ellis-van Creveld syndrome (EVC). Also called: MESOECTODERMAL DYSPLASIA; Chondroectodermal dysplasia; EVC-Related Ellis-van Creveld Syndrome; EVC2-Related Ellis-van Creveld Syndrome. Identifiers: Orphanet 289, MedGen C0013903, MONDO:0009162, OMIM 225500.
Curry-Hall syndrome (WAD). Also called: WEYERS ACRODENTAL DYSOSTOSIS. Identifiers: Orphanet 952, MedGen C0457013, MONDO:0008673, OMIM 193530.

Submission:

Labcorp Genetics (formerly Invitae), Labcorp
Classification: Likely pathogenic for Curry-Hall syndrome; Ellis-van Creveld syndrome. Last evaluated: 2019-06-05. Review status: criteria provided, single submitter. Criteria: Invitae Variant Classification Sherloc (09022015). Collection method: clinical testing. Allele origin: unknown.
Comment: This variant is a deletion of the genomic region encompassing exon 11 and part of exon 12 (c.1471-2169_1835del) of the EVC2 gene. It is expected to disrupt RNA splicing and likely results in an absent or disrupted protein product. This variant has not been reported in the literature in individuals with EVC2-related conditions. Loss-of-function variants in EVC2 are known to be pathogenic (PMID: 17024374, 19810119, 19876929). In summary, the currently available evidence indicates that the variant is pathogenic, but additional data are needed to prove that conclusively. Therefore, this variant has been classified as Likely Pathogenic.

Literature cited by the submitters: PubMed 17024374; PubMed 19810119; PubMed 19876929.